The following is an entry in ClinVar:

NM_006371.5(CRTAP):c.470A>G (p.Lys157Arg)

Gene: CRTAP (cartilage associated protein; plus strand). Cytogenetic location: 3p22.3.
Variant type: single nucleotide variant.
Coding change: c.470A>G on transcript NM_006371.5 (MANE Select); coding-DNA position 470, A replaced by G.
Protein change: p.Lys157Arg; replaces lysine 157 with arginine.
Molecular consequence: missense variant.
Genome position (GRCh38, 1-based): chr3:33,114,547, A>G. VCF-style: chr3-33114547-A-G. GRCh37 (hg19) VCF-style: chr3-33156039-A-G.
Other names: c.470A>G, p.Lys157Arg (NM_001393363.1, NM_001393364.1, NM_001393365.1); short protein forms K157R.
Identifiers: ClinVar variation 1299365 (VCV001299365.2), dbSNP rs2125596197, ClinGen allele CA352008919.

ClinVar aggregate classification (germline): Pathogenic (1 of 4 stars; one submission).

Conditions:
Osteogenesis imperfecta type 7 (OI7). Also called: OSTEOGENESIS IMPERFECTA, TYPE IIB; Osteogenesis imperfecta type 2B; OI type 2B; Osteogenesis imperfecta, perinatal lethal autosomal recessive; OI type IIB; OI type 7. Identifiers: MedGen C1853162, MONDO:0012536, OMIM 610682.

Submission:

Center of Excellence in Precision Medicine and Digital Health (CEPMDH), Faculty of Dentistry, Chulalongkorn University
Classification: Pathogenic for Osteogenesis imperfecta type 7. Review status: criteria provided, single submitter. Criteria: ACMG Guidelines, 2015. Collection method: clinical testing. Allele origin: inherited. Inheritance: Autosomal recessive inheritance. Affected: yes. Observed: 1 variant allele, 1 compound heterozygote.
Comment: The c.470A>G variant is absent from database (gnomAD, 1000 Genomes Project Consortium, dbSNPs, Thai reference exome (T-Rex) variant database). This variant locates at the second last bp of exon1 which is likely to disturb normal splicing (predicted by MutationTaster program) and classified as pathogenic using ACMG Guidelines.